The following is an entry in ClinVar:

NM_001005373.4(LRSAM1):c.578G>A (p.Cys193Tyr)

Gene: LRSAM1 (leucine rich repeat and sterile alpha motif containing 1; plus strand). Cytogenetic location: 9q33.3.
Variant type: single nucleotide variant.
Coding change: c.578G>A on transcript NM_001005373.4 (MANE Select); coding-DNA position 578, G replaced by A.
Protein change: p.Cys193Tyr; replaces cysteine 193 with tyrosine.
Molecular consequence: missense variant. On other transcripts: 5 prime UTR variant (1), non-coding transcript variant (2).
Genome position (GRCh38, 1-based): chr9:127,467,789, G>A. VCF-style: chr9-127467789-G-A. GRCh37 (hg19) VCF-style: chr9-130230068-G-A.
Other names: c.578G>A, p.Cys193Tyr (NM_001005374.4, NM_001190723.3, NM_001384142.1 and 2 more transcripts); c.-207G>A (NM_001384144.1); short protein forms C193Y.
Identifiers: ClinVar variation 2738687 (VCV002738687.3), dbSNP rs755362254, ClinGen allele CA5246606.
Genomic context (GRCh38, chr9:127,467,789, plus strand): 5'-TGTGTCTGCAGATGCTGAGCCTTGACGCCTCGGCCATGGTCTACCCGCCGCGGGAGGTGT[G>A]TGGTGCCGGCACTGCGGCCATCTTGCAGTTCCTCTGCAAAGGTAAAGCCAGGCCGCTGCC-3'
Protein context (NP_001005373.1, residues 183-203): SAMVYPPREV[Cys193Tyr]GAGTAAILQF

ClinVar aggregate classification (germline): Uncertain significance (1 of 4 stars; one submission).

Conditions:
Charcot-Marie-Tooth disease axonal type 2P. Also called: Charcot-Marie-Tooth Neuropathy Type 2G; CHARCOT-MARIE-TOOTH DISEASE, AXONAL, TYPE 2G; CMT 2G; CHARCOT-MARIE-TOOTH NEUROPATHY, TYPE 2P. Identifiers: Orphanet 300319, Orphanet 99941, MedGen C3280797, MONDO:0013753, OMIM 614436.

Allele frequency attached by ClinVar (database versions not stated): TOPMed below 0.00001; ExAC 0.00005.
gnomAD v4.1: 22 of 1,609,908 alleles (0.0014%); highest among the groups gnomAD compares: Middle Eastern, 0.066%; 1 homozygote.

Submission:

Labcorp Genetics (formerly Invitae), Labcorp
Classification: Uncertain significance for Charcot-Marie-Tooth disease axonal type 2P. Last evaluated: 2023-02-01. Review status: criteria provided, single submitter. Criteria: Invitae Variant Classification Sherloc (09022015). Collection method: clinical testing. Allele origin: germline.
Comment: This sequence change replaces cysteine, which is neutral and slightly polar, with tyrosine, which is neutral and polar, at codon 193 of the LRSAM1 protein (p.Cys193Tyr). This variant is present in population databases (rs755362254, gnomAD 0.02%). This variant has not been reported in the literature in individuals affected with LRSAM1-related conditions. Advanced modeling of protein sequence and biophysical properties (such as structural, functional, and spatial information, amino acid conservation, physicochemical variation, residue mobility, and thermodynamic stability) performed at Invitae indicates that this missense variant is expected to disrupt LRSAM1 protein function. In summary, the available evidence is currently insufficient to determine the role of this variant in disease. Therefore, it has been classified as a Variant of Uncertain Significance.